The following is an entry in ClinVar:

ClinVar aggregate classification (germline): Conflicting classifications of pathogenicity. Review status: criteria provided, conflicting classifications (1 of 4 stars). 4 submissions from 4 submitters: Uncertain significance (2); Likely benign (1). 1 of the submissions does not count toward it. Last evaluated 2025-02-12.

Conditions:
Inborn genetic diseases. Identifiers: MedGen C0950123, MeSH D030342.
Usher syndrome type 1C. Also called: USHER SYNDROME, TYPE I, ACADIAN VARIETY. Identifiers: Orphanet 231169, Orphanet 886, MedGen C1848604, MONDO:0010171, OMIM 276904.

Allele frequency attached by ClinVar (database versions not stated): TOPMed 0.00003; gnomAD exomes 0.00004 and 0.00007; ExAC 0.00005.

Submissions (4):

Ambry Genetics
Classification: Uncertain significance for Inborn genetic diseases. Last evaluated: 2025-02-12. Review status: criteria provided, single submitter. Criteria: Ambry Variant Classification Scheme 2023. Collection method: clinical testing. Allele origin: germline.

Labcorp Genetics (formerly Invitae), Labcorp
Classification: Uncertain significance. Last evaluated: 2022-05-17. Review status: criteria provided, single submitter. Criteria: Invitae Variant Classification Sherloc (09022015). Collection method: clinical testing. Allele origin: germline.
Comment: This sequence change replaces glutamic acid, which is acidic and polar, with lysine, which is basic and polar, at codon 491 of the USH1C protein (p.Glu491Lys). This variant is present in population databases (rs772123405, gnomAD 0.05%). This variant has not been reported in the literature in individuals affected with USH1C-related conditions. ClinVar contains an entry for this variant (Variation ID: 1019458). Algorithms developed to predict the effect of missense changes on protein structure and function (SIFT, PolyPhen-2, Align-GVGD) all suggest that this variant is likely to be tolerated. In summary, the available evidence is currently insufficient to determine the role of this variant in disease. Therefore, it has been classified as a Variant of Uncertain Significance.

Blueprint Genetics
Classification: Likely benign. Last evaluated: 2021-08-11. Review status: criteria provided, single submitter. Criteria: ACMG Guidelines, 2015. Collection method: clinical testing. Allele origin: germline.

Natera, Inc.
Classification: Uncertain significance for Usher syndrome type 1C. Last evaluated: 2020-07-10. Review status: no assertion criteria provided. Collection method: clinical testing. Allele origin: germline. Not counted in ClinVar's aggregate classification.

NM_153676.4(USH1C):c.2371G>A (p.Glu791Lys)

Gene: USH1C (USH1 protein network component harmonin; minus strand). Cytogenetic location: 11p15.1.
Variant type: single nucleotide variant.
Coding change: c.2371G>A on transcript NM_153676.4 (MANE Select); coding-DNA position 2371, G replaced by A.
Protein change: p.Glu791Lys; replaces glutamic acid 791 with lysine.
Molecular consequence: missense variant. On other transcripts: non-coding transcript variant (1).
Genome position (GRCh38, 1-based): chr11:17,501,060, C>T on the plus strand (G>A on the coding strand, the complement: USH1C is on the minus strand). VCF-style: chr11-17501060-C-T. GRCh37 (hg19) VCF-style: chr11-17522607-C-T.
Other names: c.1414G>A, p.Glu472Lys (NM_001297764.2); c.1471G>A, p.Glu491Lys (NM_005709.4); c.1471G>A (NM_005709.3); short protein forms E472K, E491K, E791K.
Identifiers: ClinVar variation 1019458 (VCV001019458.5), dbSNP rs772123405, ClinGen allele CA5904206.
Genomic context (GRCh38, chr11:17,501,060, plus strand): 5'-GTCTAACCACTGTATCATCCCCAAACCTGGGTGTGGCTAGTCTCCACTCACCATGCCGCT[C>T]AGCAGCTCCCCGCTCATACACAGCAGAAACGACCACCTTCCCAATGGGGGAGTCCACACC-3'
Protein context (NP_710142.1, residues 781-801): VSAVYERGAA[Glu791Lys]RHGGIVKGDE